The following is an entry in ClinVar:

ClinVar aggregate classification (germline): Pathogenic (1 of 4 stars; one submission).

Conditions:
Primary ciliary dyskinesia. Also called: Ciliary dyskinesia. Identifiers: Orphanet 244, MedGen C0008780, MONDO:0016575, HP:0012265.

Allele frequency attached by ClinVar (database versions not stated): gnomAD exomes below 0.00001; TOPMed below 0.00001.
gnomAD v4.1: 1 of 1,611,708 alleles (0.000062%); highest among the groups gnomAD compares: Non-Finnish European, 0.000085%; no homozygotes.

Submission:

Labcorp Genetics (formerly Invitae), Labcorp
Classification: Pathogenic for Primary ciliary dyskinesia. Last evaluated: 2018-02-26. Review status: criteria provided, single submitter. Criteria: Invitae Variant Classification Sherloc (09022015). Collection method: clinical testing. Allele origin: germline.
Comment: For these reasons, this variant has been classified as Pathogenic. Loss-of-function variants in DNAH11 are known to be pathogenic (PMID: 18022865, 20513915, 22184204). This variant has not been reported in the literature in individuals with DNAH11-related disease. This variant is not present in population databases (ExAC no frequency). This sequence change creates a premature translational stop signal (p.Arg3160*) in the DNAH11 gene. It is expected to result in an absent or disrupted protein product.

Literature cited by the submitters: PubMed 18022865; PubMed 20513915; PubMed 22184204.

NM_001277115.2(DNAH11):c.9478C>T (p.Arg3160Ter)

Gene: DNAH11 (dynein axonemal heavy chain 11; plus strand). Cytogenetic location: 7p15.3.
Variant type: single nucleotide variant.
Coding change: c.9478C>T on transcript NM_001277115.2 (MANE Select); coding-DNA position 9478, C replaced by T.
Protein change: p.Arg3160Ter; replaces arginine 3160 with a stop codon.
Molecular consequence: nonsense.
Genome position (GRCh38, 1-based): chr7:21,779,099, C>T. VCF-style: chr7-21779099-C-T. GRCh37 (hg19) VCF-style: chr7-21818717-C-T.
Other names: short protein forms R3160*.
Identifiers: ClinVar variation 1073850 (VCV001073850.7), dbSNP rs1787819788, ClinGen allele CA366937854.